The following is an entry in ClinVar:

NM_000642.3(AGL):c.2222A>G (p.Gln741Arg)

Gene: AGL (amylo-alpha-1,6-glucosidase and 4-alpha-glucanotransferase; plus strand). Cytogenetic location: 1p21.2.
Variant type: single nucleotide variant.
Coding change: c.2222A>G on transcript NM_000642.3 (MANE Select); coding-DNA position 2222, A replaced by G.
Protein change: p.Gln741Arg; replaces glutamine 741 with arginine.
Molecular consequence: missense variant.
Genome position (GRCh38, 1-based): chr1:99,881,605, A>G. VCF-style: chr1-99881605-A-G. GRCh37 (hg19) VCF-style: chr1-100347161-A-G.
Other names: p.Gln741Arg; c.2222A>G, p.Gln741Arg (NM_000028.3, NM_000643.3, NM_000644.3 and 2 more transcripts); c.2174A>G, p.Gln725Arg (NM_000646.3); c.2021A>G, p.Gln674Arg (NM_001425327.1); c.2018A>G, p.Gln673Arg (NM_001425328.1, NM_001425329.1); c.1844A>G, p.Gln615Arg (NM_001425332.1); short protein forms Q725R, Q741R, Q615R, Q673R, Q674R.
Identifiers: ClinVar variation 663772 (VCV000663772.11), dbSNP rs773044002, ClinGen allele CA966720.

ClinVar aggregate classification (germline): Uncertain significance. Review status: criteria provided, multiple submitters, no conflicts (2 of 4 stars). 6 submissions from 6 submitters: Uncertain significance (5). 1 of the submissions does not count toward it. Last evaluated 2025-08-30.

Conditions:
Glycogen storage disease type III (GSD3). Also called: FORBES DISEASE; Cori disease. Identifiers: Orphanet 366, MedGen C0017922, MONDO:0009291, OMIM 232400.
Inborn genetic diseases. Identifiers: MedGen C0950123, MeSH D030342.

Allele frequency attached by ClinVar (database versions not stated): ExAC 0.00004; gnomAD exomes 0.00005 and 0.00018; TOPMed 0.00005; gnomAD 0.00006.
gnomAD v4.1: 271 of 1,613,910 alleles (0.017%); highest among the groups gnomAD compares: Middle Eastern, 0.033%; no homozygotes.

Submissions (6):

Ambry Genetics
Classification: Uncertain significance for Inborn genetic diseases. Last evaluated: 2025-08-30. Review status: criteria provided, single submitter. Criteria: Ambry Variant Classification Scheme 2023. Collection method: clinical testing. Allele origin: germline.

Mayo Clinic Laboratories, Mayo Clinic
Classification: Uncertain significance. Last evaluated: 2024-08-01. Review status: criteria provided, single submitter. Criteria: ACMG Guidelines, 2015. Collection method: clinical testing. Allele origin: germline. Observed: 1 variant allele.
Comment: BP4

Genome-Nilou Lab
Classification: Uncertain significance for Glycogen storage disease type III. Last evaluated: 2023-04-11. Review status: criteria provided, single submitter. Criteria: ACMG Guidelines, 2015. Collection method: clinical testing. Allele origin: germline. Affected: no.

Labcorp Genetics (formerly Invitae), Labcorp
Classification: Uncertain significance for Glycogen storage disease type III. Last evaluated: 2022-08-04. Review status: criteria provided, single submitter. Criteria: Invitae Variant Classification Sherloc (09022015). Collection method: clinical testing. Allele origin: germline.
Comment: This sequence change replaces glutamine, which is neutral and polar, with arginine, which is basic and polar, at codon 741 of the AGL protein (p.Gln741Arg). This variant is present in population databases (rs773044002, gnomAD 0.009%). This variant has not been reported in the literature in individuals affected with AGL-related conditions. ClinVar contains an entry for this variant (Variation ID: 663772). Algorithms developed to predict the effect of missense changes on protein structure and function are either unavailable or do not agree on the potential impact of this missense change (SIFT: "Tolerated"; PolyPhen-2: "Possibly Damaging"; Align-GVGD: "Class C0"). In summary, the available evidence is currently insufficient to determine the role of this variant in disease. Therefore, it has been classified as a Variant of Uncertain Significance.

Fulgent Genetics
Classification: Uncertain significance for Glycogen storage disease type III. Last evaluated: 2021-08-24. Review status: criteria provided, single submitter. Criteria: ACMG Guidelines, 2015. Collection method: clinical testing. Allele origin: unknown.

Natera, Inc.
Classification: Uncertain significance for Glycogen storage disease type III. Last evaluated: 2020-01-17. Review status: no assertion criteria provided. Collection method: clinical testing. Allele origin: germline. Not counted in ClinVar's aggregate classification.